The following is an entry in ClinVar:

NM_020987.5(ANK3):c.1291G>A (p.Glu431Lys)

Gene: ANK3 (ankyrin 3; minus strand). Cytogenetic location: 10q21.2.
Variant type: single nucleotide variant.
Coding change: c.1291G>A on transcript NM_020987.5 (MANE Select); coding-DNA position 1291, G replaced by A.
Protein change: p.Glu431Lys; replaces glutamic acid 431 with lysine.
Molecular consequence: missense variant.
Genome position (GRCh38, 1-based): chr10:60,205,794, C>T on the plus strand (G>A on the coding strand, the complement: ANK3 is on the minus strand). VCF-style: chr10-60205794-C-T. GRCh37 (hg19) VCF-style: chr10-61965552-C-T.
Other names: c.1273G>A, p.Glu425Lys (NM_001204403.2); c.1240G>A, p.Glu414Lys (NM_001204404.2); c.1291G>A, p.Glu431Lys (NM_001320874.2); short protein forms E425K, E431K, E414K.
Identifiers: ClinVar variation 388664 (VCV000388664.3), dbSNP rs1057523190, ClinGen allele CA16605661.

ClinVar aggregate classification (germline): Uncertain significance. Review status: criteria provided, multiple submitters, no conflicts (2 of 4 stars). 2 submissions from 2 submitters: Uncertain significance (2). Last evaluated 2025-08-30.

Conditions:
Inborn genetic diseases. Identifiers: MedGen C0950123, MeSH D030342.

Allele frequency attached by ClinVar (database versions not stated): gnomAD 0.00001; TOPMed 0.00001.
gnomAD v4.1: 5 of 1,610,902 alleles (0.00031%); highest among the groups gnomAD compares: Non-Finnish European, 0.00042%; no homozygotes.

Submissions (2):

Ambry Genetics
Classification: Uncertain significance for Inborn genetic diseases. Last evaluated: 2025-08-30. Review status: criteria provided, single submitter. Criteria: Ambry Variant Classification Scheme 2023. Collection method: clinical testing. Allele origin: germline.

GeneDx
Classification: Uncertain significance. Last evaluated: 2016-08-25. Review status: criteria provided, single submitter. Criteria: GeneDx Variant Classification (06012015). Collection method: clinical testing. Allele origin: germline. Affected: yes.
Comment: The E431K variant in the ANK3 gene has not been reported previously as a pathogenic variant, nor as a benign variant, to our knowledge. The E431K variant was not observed in approximately 6500 individuals of European and African American ancestry in the NHLBI Exome Sequencing Project, indicating it is not a common benign variant in these populations. The E431K variant is a non-conservative amino acid substitution, which is likely to impact secondary protein structure as these residues differ in polarity, charge, size and/or other properties. This substitution occurs at a position that is conserved across species, and in silico analysis predicts this variant is probably damaging to the protein structure/function. We interpret E431K as a variant of uncertain significance.